The following is an entry in ClinVar:

NM_000814.6(GABRB3):c.405_406del (p.Val136fs)

Gene: GABRB3 (gamma-aminobutyric acid type A receptor subunit beta3; minus strand). Cytogenetic location: 15q12.
Variant type: Deletion.
Coding change: c.405_406del on transcript NM_000814.6 (MANE Select); coding-DNA positions 405 to 406, 2 bases deleted (AG; older notation c.405_406delAG).
Protein change: p.Val136fs; shifts the reading frame from valine 136.
Molecular consequence: frameshift variant. On other transcripts: non-coding transcript variant (1).
Genome position (GRCh38, 1-based): chr15:26,621,369-26,621,370, CT deleted on the plus strand (AG on the coding strand, the reverse complement: GABRB3 is on the minus strand). VCF-style (leftmost placement, unchanged base first): chr15-26621368-ACT-A. GRCh37 (hg19) VCF-style: chr15-26866515-ACT-A.
Other names: c.150_151del, p.Val51fs (NM_001191320.2, NM_001278631.2); c.192_193del, p.Val65fs (NM_001191321.3); c.405_406del, p.Val136fs (NM_021912.5); short protein forms V136fs, V65fs, V51fs.
Identifiers: ClinVar variation 1456555 (VCV001456555.6), dbSNP rs2140536878, ClinGen allele CA2573150549.

ClinVar aggregate classification (germline): Pathogenic (1 of 4 stars; one submission).

Conditions:
Epilepsy, childhood absence, susceptibility to, 5. Identifiers: Orphanet 64280, MedGen C2677087, MONDO:0012843, OMIM 612269.
Epilepsy, childhood absence, susceptibility to, 1. Also called: Epilepsy, childhood absence 1. Identifiers: Orphanet 64280, MedGen C1838604, MONDO:0020759, OMIM 600131.

Submission:

Labcorp Genetics (formerly Invitae), Labcorp
Classification: Pathogenic for Epilepsy, childhood absence, susceptibility to, 5; Epilepsy, childhood absence, susceptibility to, 1. Last evaluated: 2021-07-31. Review status: criteria provided, single submitter. Criteria: Invitae Variant Classification Sherloc (09022015). Collection method: clinical testing. Allele origin: germline.
Comment: This sequence change creates a premature translational stop signal (p.Val136Glufs*10) in the GABRB3 gene. It is expected to result in an absent or disrupted protein product. Loss-of-function variants in GABRB3 are known to be pathogenic (PMID: 26950270, 28053010). This variant is not present in population databases (ExAC no frequency). This variant has not been reported in the literature in individuals affected with GABRB3-related conditions. For these reasons, this variant has been classified as Pathogenic.

Literature cited by the submitters: PubMed 26950270; PubMed 28053010.